The following is an entry in ClinVar:

NM_080632.3(UPF3B):c.756G>T (p.Lys252Asn)

Gene: UPF3B (UPF3B regulator of nonsense mediated mRNA decay; minus strand). Cytogenetic location: Xq24.
Variant type: single nucleotide variant.
Coding change: c.756G>T on transcript NM_080632.3 (MANE Select); coding-DNA position 756, G replaced by T.
Protein change: p.Lys252Asn; replaces lysine 252 with asparagine.
Molecular consequence: missense variant.
Genome position (GRCh38, 1-based): chrX:119,841,127, C>A on the plus strand (G>T on the coding strand, the complement: UPF3B is on the minus strand). VCF-style: chrX-119841127-C-A. GRCh37 (hg19) VCF-style: chrX-118975090-C-A.
Other names: c.756G>T, p.Lys252Asn (NM_023010.4); short protein forms K252N.
Identifiers: ClinVar variation 3340750 (VCV003340750.1).

ClinVar aggregate classification (germline): Uncertain significance (1 of 4 stars; one submission).

Submission:

GeneDx
Classification: Uncertain significance. Last evaluated: 2024-01-16. Review status: criteria provided, single submitter. Criteria: GeneDx Variant Classification Process June 2021. Collection method: clinical testing. Allele origin: germline. Affected: yes.
Comment: Not observed at significant frequency in large population cohorts (gnomAD); In silico analysis supports that this missense variant has a deleterious effect on protein structure/function; Has not been previously published as pathogenic or benign to our knowledge